The following is an entry in ClinVar:

NM_000057.4(BLM):c.4037A>G (p.Lys1346Arg)

Gene: BLM (BLM RecQ like helicase; plus strand). Cytogenetic location: 15q26.1.
Variant type: single nucleotide variant.
Coding change: c.4037A>G on transcript NM_000057.4 (MANE Select); coding-DNA position 4037, A replaced by G.
Protein change: p.Lys1346Arg; replaces lysine 1346 with arginine.
Molecular consequence: missense variant.
Genome position (GRCh38, 1-based): chr15:90,811,367, A>G. VCF-style: chr15-90811367-A-G. GRCh37 (hg19) VCF-style: chr15-91354597-A-G.
Other names: c.2912A>G, p.Lys971Arg (NM_001287248.2); c.4037A>G, p.Lys1346Arg (NM_001287246.2); c.3644A>G, p.Lys1215Arg (NM_001287247.2); short protein forms K971R, K1215R, K1346R.
Identifiers: ClinVar variation 638868 (VCV000638868.9), dbSNP rs1596273706, ClinGen allele CA393851400.

ClinVar aggregate classification (germline): Uncertain significance (1 of 4 stars; one submission).

Conditions:
Bloom syndrome (BLM). Also called: Bloom-Torre-Machacek syndrome. Identifiers: Orphanet 125, MedGen C0005859, MONDO:0008876, OMIM 210900.

Submission:

Labcorp Genetics (formerly Invitae), Labcorp
Classification: Uncertain significance for Bloom syndrome. Last evaluated: 2022-02-24. Review status: criteria provided, single submitter. Criteria: Invitae Variant Classification Sherloc (09022015). Collection method: clinical testing. Allele origin: germline.
Comment: In summary, the available evidence is currently insufficient to determine the role of this variant in disease. Therefore, it has been classified as a Variant of Uncertain Significance. Algorithms developed to predict the effect of missense changes on protein structure and function (SIFT, PolyPhen-2, Align-GVGD) all suggest that this variant is likely to be tolerated. ClinVar contains an entry for this variant (Variation ID: 638868). This variant has not been reported in the literature in individuals affected with BLM-related conditions. This variant is not present in population databases (gnomAD no frequency). This sequence change replaces lysine, which is basic and polar, with arginine, which is basic and polar, at codon 1346 of the BLM protein (p.Lys1346Arg).